The following is an entry in ClinVar:

NM_007294.4(BRCA1):c.2960A>G (p.Lys987Arg)

Gene: BRCA1 (BRCA1 DNA repair associated; minus strand). Cytogenetic location: 17q21.31.
Variant type: single nucleotide variant.
Coding change: c.2960A>G on transcript NM_007294.4 (MANE Select); coding-DNA position 2960, A replaced by G.
Protein change: p.Lys987Arg; replaces lysine 987 with arginine.
Molecular consequence: missense variant. On other transcripts: intron variant (137).
Genome position (GRCh38, 1-based): chr17:43,092,571, T>C on the plus strand (A>G on the coding strand, the complement: BRCA1 is on the minus strand). VCF-style: chr17-43092571-T-C. GRCh37 (hg19) VCF-style: chr17-41244588-T-C.
Other names: c.2747A>G, p.Lys916Arg (NM_001407571.1, NM_001407853.1, NM_001407894.1 and 9 more transcripts); c.2960A>G, p.Lys987Arg (NM_001407581.1, NM_001407582.1, NM_001407583.1 and 30 more transcripts); c.2957A>G, p.Lys986Arg (NM_001407587.1, NM_001407590.1, NM_001407591.1 and 22 more transcripts); c.2951A>G, p.Lys984Arg (NM_001407646.1, NM_001407647.1); c.2879A>G, p.Lys960Arg (NM_001407659.1, NM_001407660.1, NM_001407661.1 and 1 more transcripts); c.2882A>G, p.Lys961Arg (NM_001407663.1, NM_001407653.1, NM_001407654.1 and 4 more transcripts); c.2837A>G, p.Lys946Arg (NM_001407664.1, NM_001407665.1, NM_001407666.1 and 19 more transcripts); c.2834A>G, p.Lys945Arg (NM_001407685.1, NM_001407686.1, NM_001407940.1 and 11 more transcripts); and 41 more; short protein forms K987R, K940R, K691R, K916R, K984R, K819R, K860R, K898R.
Identifiers: ClinVar variation 232789 (VCV000232789.29), dbSNP rs876659990, ClinGen allele CA10580588.

ClinVar aggregate classification (germline): Conflicting classifications of pathogenicity. Review status: criteria provided, conflicting classifications (1 of 4 stars). 6 submissions from 6 submitters: Uncertain significance (4); Likely benign (2). Last evaluated 2024-10-24.

Conditions:
Hereditary cancer-predisposing syndrome. Also called: Tumor predisposition; Hereditary Cancer Syndrome; Neoplastic Syndromes, Hereditary; Hereditary neoplastic syndrome. Identifiers: Orphanet 140162, MedGen C0027672, MeSH D009386, MONDO:0015356.
Breast-ovarian cancer, familial, susceptibility to, 1 (BROVCA1). Also called: BRCA1 Hereditary Breast and Ovarian Cancer; OVARIAN CANCER, SUSCEPTIBILITY TO. Identifiers: Orphanet 145, MedGen C2676676, MONDO:0011450, OMIM 604370. Disease mechanism: loss of function.
Hereditary breast ovarian cancer syndrome. Also called: Breast and ovarian cancer; Hereditary breast and ovarian cancer; Hereditary breast and ovarian cancer syndrome; Hereditary breast and/or ovarian cancer syndrome; BRCA1- and BRCA2-Associated Hereditary Breast and Ovarian Cancer; Hereditary breast and ovarian cancer syndrome (HBOC). Identifiers: Orphanet 145, MedGen C0677776, MeSH D061325, MONDO:0003582. Disease mechanism: loss of function.

Allele frequency attached by ClinVar (database versions not stated): gnomAD exomes below 0.00001.
gnomAD v4.1: 13 of 1,614,120 alleles (0.00081%); highest among the groups gnomAD compares: Non-Finnish European, 0.0011%; no homozygotes.

Submissions (6):

Labcorp Genetics (formerly Invitae), Labcorp
Classification: Uncertain significance for Hereditary breast ovarian cancer syndrome. Last evaluated: 2024-10-24. Review status: criteria provided, single submitter. Criteria: Invitae Variant Classification Sherloc (09022015). Collection method: clinical testing. Allele origin: germline.
Comment: This sequence change replaces lysine, which is basic and polar, with arginine, which is basic and polar, at codon 987 of the BRCA1 protein (p.Lys987Arg). This variant is present in population databases (no rsID available, gnomAD 0.0009%). This variant has not been reported in the literature in individuals affected with BRCA1-related conditions. ClinVar contains an entry for this variant (Variation ID: 232789). Invitae Evidence Modeling of protein sequence and biophysical properties (such as structural, functional, and spatial information, amino acid conservation, physicochemical variation, residue mobility, and thermodynamic stability) indicates that this missense variant is not expected to disrupt BRCA1 protein function with a negative predictive value of 80%. In summary, the available evidence is currently insufficient to determine the role of this variant in disease. Therefore, it has been classified as a Variant of Uncertain Significance.

All of Us Research Program, National Institutes of Health
Classification: Uncertain significance for Breast-ovarian cancer, familial, susceptibility to, 1. Last evaluated: 2023-03-23. Review status: criteria provided, single submitter. Criteria: ACMG Guidelines, 2015. Collection method: clinical testing. Allele origin: germline. Inheritance: Autosomal dominant inheritance. Observed: 1 variant allele, 1 heterozygote.
Comment: This missense variant replaces lysine with arginine at codon 987 of the BRCA1 protein. Computational prediction suggests that this variant may not impact protein structure and function (internally defined REVEL score threshold <= 0.5, PMID: 27666373). To our knowledge, functional studies have not been reported for this variant. This variant has been detected in a breast cancer case-control meta-analysis in 1/60466 cases and 0/53461 unaffected individuals (PMID: 33471991; Leiden Open Variation Database DB-ID BRCA1_006373). This variant has been identified in 1/250684 chromosomes in the general population by the Genome Aggregation Database (gnomAD). The available evidence is insufficient to determine the role of this variant in disease conclusively. Therefore, this variant is classified as a Variant of Uncertain Significance.

This study involves interpretation of variants in research participants for the purpose of population health screening. Participant phenotype was not available at the time of variant classification. Additional details can be found in publication PMID: 35346344, PMCID: PMC8962531

University of Washington Department of Laboratory Medicine, University of Washington
Classification: Likely benign for Hereditary cancer-predisposing syndrome. Last evaluated: 2023-03-23. Review status: criteria provided, single submitter. Criteria: Dines et al. (Genet Med. 2020). Collection method: curation. Allele origin: germline.
Comment: Missense variant in a coldspot region where missense variants are very unlikely to be pathogenic (PMID:31911673).

BRCA1 coldspot (exon 11 using historical exon numbering). Reclassification based on statistical prior probability

Color Diagnostics, LLC DBA Color Health
Classification: Uncertain significance for Hereditary cancer-predisposing syndrome. Last evaluated: 2023-03-01. Review status: criteria provided, single submitter. Criteria: ACMG Guidelines, 2015. Collection method: clinical testing. Allele origin: germline.
Comment: This missense variant replaces lysine with arginine at codon 987 of the BRCA1 protein. Computational prediction suggests that this variant may not impact protein structure and function (internally defined REVEL score threshold <= 0.5, PMID: 27666373). To our knowledge, functional studies have not been reported for this variant. This variant has been detected in a breast cancer case-control meta-analysis in 1/60466 cases and 0/53461 unaffected individuals (PMID: 33471991; Leiden Open Variation Database DB-ID BRCA1_006373). This variant has been identified in 1/250684 chromosomes in the general population by the Genome Aggregation Database (gnomAD). The available evidence is insufficient to determine the role of this variant in disease conclusively. Therefore, this variant is classified as a Variant of Uncertain Significance.

GeneDx
Classification: Uncertain significance. Last evaluated: 2021-11-29. Review status: criteria provided, single submitter. Criteria: GeneDx Variant Classification Process June 2021. Collection method: clinical testing. Allele origin: germline. Affected: yes.
Comment: Not observed at a significant frequency in large population cohorts (Lek 2016); In silico analysis supports that this missense variant does not alter protein structure/function; Has not been previously published as pathogenic or benign to our knowledge; Also known as 3079A>G; This variant is associated with the following publications: (PMID: 15343273)

Ambry Genetics
Classification: Likely benign for Hereditary cancer-predisposing syndrome. Last evaluated: 2021-05-19. Review status: criteria provided, single submitter. Criteria: Ambry Variant Classification Scheme 2023. Collection method: clinical testing. Allele origin: germline.

Literature cited by the submitters: PubMed 33471991 (cited by 3 submitters).